The following is an entry in ClinVar:

NM_181507.2(HPS5):c.2789T>G (p.Leu930Arg)

Gene: HPS5 (HPS5 biogenesis of lysosomal organelles complex 2 subunit 2; minus strand). Cytogenetic location: 11p15.1.
Variant type: single nucleotide variant.
Coding change: c.2789T>G on transcript NM_181507.2 (MANE Select); coding-DNA position 2789, T replaced by G.
Protein change: p.Leu930Arg; replaces leucine 930 with arginine.
Molecular consequence: missense variant.
Genome position (GRCh38, 1-based): chr11:18,286,639, A>C on the plus strand (T>G on the coding strand, the complement: HPS5 is on the minus strand). VCF-style: chr11-18286639-A-C. GRCh37 (hg19) VCF-style: chr11-18308186-A-C.
Other names: c.2447T>G, p.Leu816Arg (NM_007216.4, NM_181508.2); short protein forms L930R, L816R.
Identifiers: ClinVar variation 1518579 (VCV001518579.6), dbSNP rs769677556, ClinGen allele CA5909750.

ClinVar aggregate classification (germline): Uncertain significance. Review status: criteria provided, multiple submitters, no conflicts (2 of 4 stars). 2 submissions from 2 submitters: Uncertain significance (2). Last evaluated 2023-11-09.

Conditions:
Inborn genetic diseases. Identifiers: MedGen C0950123, MeSH D030342.

Allele frequency attached by ClinVar (database versions not stated): gnomAD 0.00008 and 0.00009; TOPMed 0.00011.

Submissions (2):

Ambry Genetics
Classification: Uncertain significance for Inborn genetic diseases. Last evaluated: 2023-11-09. Review status: criteria provided, single submitter. Criteria: Ambry Variant Classification Scheme 2023. Collection method: clinical testing. Allele origin: germline.

Labcorp Genetics (formerly Invitae), Labcorp
Classification: Uncertain significance. Last evaluated: 2022-07-19. Review status: criteria provided, single submitter. Criteria: Invitae Variant Classification Sherloc (09022015). Collection method: clinical testing. Allele origin: germline.
Comment: This sequence change replaces leucine, which is neutral and non-polar, with arginine, which is basic and polar, at codon 930 of the HPS5 protein (p.Leu930Arg). This variant is present in population databases (rs769677556, gnomAD 0.02%). This variant has not been reported in the literature in individuals affected with HPS5-related conditions. ClinVar contains an entry for this variant (Variation ID: 1518579). Algorithms developed to predict the effect of missense changes on protein structure and function output the following: SIFT: "Tolerated"; PolyPhen-2: "Benign"; Align-GVGD: "Class C0". The arginine amino acid residue is found in multiple mammalian species, which suggests that this missense change does not adversely affect protein function. In summary, the available evidence is currently insufficient to determine the role of this variant in disease. Therefore, it has been classified as a Variant of Uncertain Significance.